The following is an entry in ClinVar:

NM_017934.7(PHIP):c.699A>C (p.Val233=)

Gene: PHIP (PHIP subunit of CUL4-Ring ligase complex; minus strand). Cytogenetic location: 6q14.1.
Variant type: single nucleotide variant.
Coding change: c.699A>C on transcript NM_017934.7 (MANE Select); coding-DNA position 699, A replaced by C.
Protein change: p.Val233=; no amino-acid change (valine 233 retained).
Molecular consequence: synonymous variant.
Genome position (GRCh38, 1-based): chr6:79,026,066, T>G on the plus strand (A>C on the coding strand, the complement: PHIP is on the minus strand). VCF-style: chr6-79026066-T-G. GRCh37 (hg19) VCF-style: chr6-79735783-T-G.
Identifiers: ClinVar variation 4983866 (VCV004983866.1).

ClinVar aggregate classification (germline): Likely benign (1 of 4 stars; one submission).

Conditions:
PHIP-related disorder. Also called: PHIP-related condition; PHIP-related disorders.

gnomAD v4.1: 4 of 1,613,998 alleles (0.00025%); highest among the groups gnomAD compares: African/African-American, 0.0053%; no homozygotes.

Submission:

PreventionGenetics, part of Exact Sciences
Classification: Likely benign for PHIP-related condition. Last evaluated: 2026-01-27. Review status: criteria provided, single submitter. Criteria: ACMG Guidelines, 2015. Collection method: clinical testing. Allele origin: germline.
Comment: This variant is classified as likely benign based on ACMG/AMP sequence variant interpretation guidelines (Richards et al. 2015 PMID: 25741868, with internal and published modifications).